The following is an entry in ClinVar:

NC_000019.9:g.(?_10461510)_(10461858_?)dup

Gene: TYK2 (tyrosine kinase 2; minus strand). Cytogenetic location: 19p13.2.
Variant type: Duplication.
Identifiers: ClinVar variation 1374365 (VCV001374365.4).

ClinVar aggregate classification (germline): Uncertain significance (1 of 4 stars; one submission).

Conditions:
Immunodeficiency 35 (IMD35). Also called: HIES WITH ATYPICAL MYCOBACTERIOSIS, AUTOSOMAL RECESSIVE; HYPER-IgE SYNDROME WITH ATYPICAL MYCOBACTERIOSIS, AUTOSOMAL RECESSIVE; Susceptibility to infection due to TYK2 deficiency; TYK2 DEFICIENCY. Identifiers: Orphanet 331226, MedGen C1969086, MONDO:0012682, OMIM 611521.

Submission:

Labcorp Genetics (formerly Invitae), Labcorp
Classification: Uncertain significance for Immunodeficiency 35. Last evaluated: 2022-12-02. Review status: criteria provided, single submitter. Criteria: Invitae Variant Classification Sherloc (09022015). Collection method: clinical testing. Allele origin: germline.
Comment: In summary, the available evidence is currently insufficient to determine the role of this variant in disease. Therefore, it has been classified as a Variant of Uncertain Significance. This variant has not been reported in the literature in individuals affected with TYK2-related conditions. This variant results in a copy number gain of the genomic region encompassing exon(s) 24-25 of the TYK2 gene. This region includes the termination codon of the gene. This copy number gain extends beyond the assayed region for this gene and therefore may encompass additional genes. As the precise location of this event is unknown, it may be in tandem or it may be located elsewhere in the genome.